The following is an entry in ClinVar:

ClinVar aggregate classification (germline): Conflicting classifications of pathogenicity. Review status: criteria provided, conflicting classifications (1 of 4 stars). 5 submissions from 5 submitters: Uncertain significance (3); Likely benign (2). Last evaluated 2025-08-07.

Conditions:
Hereditary cancer-predisposing syndrome. Also called: Neoplastic Syndromes, Hereditary; Hereditary neoplastic syndrome; Tumor predisposition; Hereditary Cancer Syndrome. Identifiers: Orphanet 140162, MedGen C0027672, MeSH D009386, MONDO:0015356.
Hereditary pheochromocytoma and paraganglioma. Also called: Hereditary Paraganglioma-Pheochromocytoma Syndromes; Hereditary paragangliomas and pheochromocytomas; Hereditary pheochromocytoma-paraganglioma. Identifiers: Orphanet 29072, MedGen C4274332, MONDO:0017366.

Allele frequency attached by ClinVar (database versions not stated): gnomAD exomes below 0.00001 and 0.00001.
gnomAD v4.1: 3 of 1,610,858 alleles (0.00019%); highest among the groups gnomAD compares: Admixed American, 0.0033%; no homozygotes.

Submissions (5):

Labcorp Genetics (formerly Invitae), Labcorp
Classification: Likely benign for Hereditary pheochromocytoma and paraganglioma. Last evaluated: 2025-08-07. Review status: criteria provided, single submitter. Criteria: Invitae Variant Classification Sherloc (09022015). Collection method: clinical testing. Allele origin: germline.

Color Diagnostics, LLC DBA Color Health
Classification: Uncertain significance for Hereditary pheochromocytoma and paraganglioma. Last evaluated: 2025-06-29. Review status: criteria provided, single submitter. Criteria: ACMG Guidelines, 2015. Collection method: clinical testing. Allele origin: germline.
Comment: This variant is located in the SDHAF2 protein. To our knowledge, functional studies have not been reported for this variant. This variant has not been reported in individuals affected with SDHAF2-related disorders in the literature. This variant has been identified in 2/251478 chromosomes in the general population by the Genome Aggregation Database (gnomAD). The available evidence is insufficient to determine the role of this variant in disease conclusively. Therefore, this variant is classified as a Variant of Uncertain Significance.

Ambry Genetics
Classification: Likely benign for Hereditary cancer-predisposing syndrome. Last evaluated: 2025-04-14. Review status: criteria provided, single submitter. Criteria: Ambry Variant Classification Scheme 2023. Collection method: clinical testing. Allele origin: germline.

Quest Diagnostics Nichols Institute San Juan Capistrano
Classification: Uncertain significance. Last evaluated: 2023-08-09. Review status: criteria provided, single submitter. Criteria: Quest Diagnostics criteria. Collection method: clinical testing. Allele origin: unknown.
Comment: To the best of our knowledge, this variant has not been reported in the published literature. The frequency of this variant in the general population, 0.000058 (2/34592 chromosomes (Genome Aggregation Database)), is uninformative in the assessment of its pathogenicity. Analysis of this variant using software algorithms for the prediction of the effect of nucleotide changes on splicing yielded predictions that this variant does not affect SDHAF2 mRNA splicing . Based on the available information, we are unable to determine the clinical significance of this variant.

All of Us Research Program, National Institutes of Health
Classification: Uncertain significance for Hereditary pheochromocytoma and paraganglioma. Last evaluated: 2023-05-16. Review status: criteria provided, single submitter. Criteria: ACMG Guidelines, 2015. Collection method: clinical testing. Allele origin: germline. Inheritance: Autosomal dominant inheritance. Observed: 1 variant allele, 1 heterozygote.
Comment: This variant is located in the SDHAF2 protein. To our knowledge, functional studies have not been reported for this variant. This variant has not been reported in individuals affected with SDHAF2-related disorders in the literature. This variant has been identified in 2/251478 chromosomes in the general population by the Genome Aggregation Database (gnomAD). The available evidence is insufficient to determine the role of this variant in disease conclusively. Therefore, this variant is classified as a Variant of Uncertain Significance.

This study involves interpretation of variants in research participants for the purpose of population health screening. Participant phenotype was not available at the time of variant classification. Additional details can be found in publication PMID: 35346344, PMCID: PMC8962531

NM_017841.4(SDHAF2):c.360C>T (p.Tyr120=)

Gene: SDHAF2 (succinate dehydrogenase complex assembly factor 2; plus strand). Cytogenetic location: 11q12.2.
Variant type: single nucleotide variant.
Coding change: c.360C>T on transcript NM_017841.4 (MANE Select); coding-DNA position 360, C replaced by T.
Protein change: p.Tyr120=; no amino-acid change (tyrosine 120 retained).
Molecular consequence: synonymous variant.
Genome position (GRCh38, 1-based): chr11:61,438,103, C>T. VCF-style: chr11-61438103-C-T. GRCh37 (hg19) VCF-style: chr11-61205575-C-T.
Identifiers: ClinVar variation 486412 (VCV000486412.19), dbSNP rs1328610836, ClinGen allele CA474802982.
Genomic context (GRCh38, chr11:61,438,103, plus strand): 5'-GCAGCTGAACCTCTATGACCGCCTGATTAACGAGCCTAGTAATGACTGGGATATTTACTA[C>T]TGGGCCACAGGTACTGGGTATGATAAGCAGCATAATGTGAAAATAGGACAGTTTAGGCTG-3'
Protein context (NP_060311.1, residues 110-130): NEPSNDWDIY[Tyr120=]WATEAKPAPE